The following is an entry in ClinVar:

NM_025265.4(TSEN2):c.271G>C (p.Asp91His)

Gene: TSEN2 (tRNA splicing endonuclease subunit 2; plus strand). Cytogenetic location: 3p25.2.
Variant type: single nucleotide variant.
Coding change: c.271G>C on transcript NM_025265.4 (MANE Select); coding-DNA position 271, G replaced by C.
Protein change: p.Asp91His; replaces aspartic acid 91 with histidine.
Molecular consequence: missense variant. On other transcripts: non-coding transcript variant (1).
Genome position (GRCh38, 1-based): chr3:12,492,217, G>C. VCF-style: chr3-12492217-G-C. GRCh37 (hg19) VCF-style: chr3-12533716-G-C.
Other names: c.271G>C, p.Asp91His (NM_001145392.2, NM_001145393.3, NM_001145394.2 and 3 more transcripts); short protein forms D91H.
Identifiers: ClinVar variation 2215328 (VCV002215328.2), dbSNP rs149844189, ClinGen allele CA2258439.

ClinVar aggregate classification (germline): Uncertain significance (1 of 4 stars; one submission).

Conditions:
Inborn genetic diseases. Identifiers: MedGen C0950123, MeSH D030342.

Allele frequency attached by ClinVar (database versions not stated): ExAC 0.00002; gnomAD 0.00005; ESP Exome Variant Server 0.00015.

Submission:

Ambry Genetics
Classification: Uncertain significance for Inborn genetic diseases. Last evaluated: 2022-07-30. Review status: criteria provided, single submitter. Criteria: Ambry Variant Classification Scheme 2023. Collection method: clinical testing. Allele origin: germline.
Comment: Occurs in the last base pair of the exon Based on insufficient or conflicting evidence, the clinical significance of this alteration remains unclear.